The following is an entry in ClinVar:

NM_020937.4(FANCM):c.4412G>A (p.Ser1471Asn)

Gene: FANCM (FA complementation group M; plus strand). Cytogenetic location: 14q21.2.
Variant type: single nucleotide variant.
Coding change: c.4412G>A on transcript NM_020937.4 (MANE Select); coding-DNA position 4412, G replaced by A.
Protein change: p.Ser1471Asn; replaces serine 1471 with asparagine.
Molecular consequence: missense variant.
Genome position (GRCh38, 1-based): chr14:45,183,799, G>A. VCF-style: chr14-45183799-G-A. GRCh37 (hg19) VCF-style: chr14-45653002-G-A.
Other names: c.4334G>A, p.Ser1445Asn (NM_001308133.2); short protein forms S1445N, S1471N.
Identifiers: ClinVar variation 4871190 (VCV004871190.1).

ClinVar aggregate classification (germline): Uncertain significance (1 of 4 stars; one submission).

Conditions:
Inborn genetic diseases. Identifiers: MedGen C0950123, MeSH D030342.

Submission:

Ambry Genetics
Classification: Uncertain significance for Inborn genetic diseases. Last evaluated: 2026-06-11. Review status: criteria provided, single submitter. Criteria: Ambry Variant Classification Scheme 2023. Collection method: clinical testing. Allele origin: germline.
Comment: The p.S1471N variant (also known as c.4412G>A), located in coding exon 17 of the FANCM gene, results from a G to A substitution at nucleotide position 4412. The serine at codon 1471 is replaced by asparagine, an amino acid with highly similar properties. This amino acid position is conserved. In addition, this alteration is predicted to be tolerated by in silico analysis. Based on the available evidence, the clinical significance of this variant remains unclear.